The following is an entry in ClinVar:

NC_000011.10:g.47351272_47351274delinsCCTCC

Gene: MYBPC3 (myosin binding protein C3; minus strand). Cytogenetic location: 11p11.2.
Variant type: Indel.
Genome position: GRCh38 VCF-style: chr11-47351272-TGG-CCTCC. GRCh37 (hg19) VCF-style: chr11-47372823-TGG-CCTCC.
Other names: c.257_259delinsGGAGG, p.Ser86fs (LRG_386t1).
Identifiers: ClinVar variation 407332 (VCV000407332.6), dbSNP rs1064792936, ClinGen allele CA16613417.

ClinVar aggregate classification (germline): Pathogenic. Review status: criteria provided, multiple submitters, no conflicts (2 of 4 stars). 2 submissions from 2 submitters: Pathogenic (2). Last evaluated 2025-04-28.

Conditions:
Hypertrophic cardiomyopathy 4. Also called: Familial hypertrophic cardiomyopathy 4. Identifiers: MedGen C1861862, MONDO:0007268, OMIM 115197.
Hypertrophic cardiomyopathy. Also called: HYPERTROPHIC MYOCARDIOPATHY. Identifiers: Orphanet 217569, MedGen C0007194, MeSH D002312, MONDO:0005045, HP:0001639.

Submissions (2):

Institute of Human Genetics, University of Leipzig Medical Center
Classification: Pathogenic for Hypertrophic cardiomyopathy 4. Last evaluated: 2025-04-28. Review status: criteria provided, single submitter. Criteria: ACMG Guidelines, 2015. Collection method: clinical testing. Allele origin: unknown. Affected: yes.
Comment: Criteria applied: PVS1,PS4_SUP,PM2_SUP

Labcorp Genetics (formerly Invitae), Labcorp
Classification: Pathogenic for Hypertrophic cardiomyopathy. Last evaluated: 2022-07-26. Review status: criteria provided, single submitter. Criteria: Invitae Variant Classification Sherloc (09022015). Collection method: clinical testing. Allele origin: germline.
Comment: For these reasons, this variant has been classified as Pathogenic. Algorithms developed to predict the effect of sequence changes on RNA splicing suggest that this variant may create or strengthen a splice site. This variant has not been reported in the literature in individuals affected with MYBPC3-related conditions. This variant is not present in population databases (gnomAD no frequency). This sequence change creates a premature translational stop signal (p.Ser86Trpfs*11) in the MYBPC3 gene. It is expected to result in an absent or disrupted protein product. Loss-of-function variants in MYBPC3 are known to be pathogenic (PMID: 19574547).

Literature cited by the submitters: PubMed 19574547 (cited by Labcorp Genetics (formerly Invitae), Labcorp).